The following is an entry in ClinVar:

ClinVar aggregate classification (germline): Uncertain significance (1 of 4 stars; one submission).

Submission:

CeGaT Center for Human Genetics Tuebingen
Classification: Uncertain significance. Last evaluated: 2025-12-01. Review status: criteria provided, single submitter. Criteria: CeGaT Center For Human Genetics Tuebingen Variant Classification Criteria Version 2. Collection method: clinical testing. Allele origin: germline. Affected: yes. Observed: 2 variant alleles.
Comment: SOX5: PM2, PVS1:Moderate

NM_006940.6(SOX5):c.568+1G>A

Gene: SOX5 (SRY-box transcription factor 5; minus strand). Cytogenetic location: 12p12.1.
Variant type: single nucleotide variant.
Coding change: c.568+1G>A on transcript NM_006940.6 (MANE Select); the canonical splice donor site of the intron after coding-DNA position 568, G replaced by A.
Molecular consequence: splice donor variant.
Genome position (GRCh38, 1-based): chr12:23,755,637, C>T on the plus strand (G>A on the coding strand, the complement: SOX5 is on the minus strand). VCF-style: chr12-23755637-C-T. GRCh37 (hg19) VCF-style: chr12-23908571-C-T.
Other names: c.529+1G>A (NM_152989.5, NM_001261414.3); c.538+1G>A (NM_001261415.3); c.463+1G>A (NM_001330785.2).
Identifiers: ClinVar variation 4281382 (VCV004281382.7).